The following is an entry in ClinVar:

NM_002203.4(ITGA2):c.*2521A>C

Gene: ITGA2 (integrin subunit alpha 2; plus strand). Cytogenetic location: 5q11.2.
Variant type: single nucleotide variant.
Coding change: c.*2521A>C on transcript NM_002203.4 (MANE Select); 2521 bases downstream of the stop codon, A replaced by C.
Molecular consequence: 3 prime UTR variant. On other transcripts: non-coding transcript variant (5).
Genome position (GRCh38, 1-based): chr5:53,093,120, A>C. VCF-style: chr5-53093120-A-C. GRCh37 (hg19) VCF-style: chr5-52388950-A-C.
Identifiers: ClinVar variation 353825 (VCV000353825.5), dbSNP rs79488788, ClinGen allele CA10620541.

ClinVar aggregate classification (germline): Benign (1 of 4 stars; one submission).

Conditions:
Platelet-type bleeding disorder 9 (BDPLT9). Also called: GLYCOPROTEIN Ia DEFICIENCY; GP Ia DEFICIENCY; COLLAGEN PLATELET RECEPTOR DEFICIENCY. Identifiers: Orphanet 73271, Orphanet 98886, MedGen C3280114, MONDO:0013622, OMIM 614200.

Allele frequency attached by ClinVar (database versions not stated): gnomAD 0.00250 and 0.00259; TOPMed 0.00285; 1000 Genomes Project 0.00300; 1000 Genomes Project 30x 0.00359.

Submission:

Illumina Laboratory Services, Illumina
Classification: Benign for Platelet-type bleeding disorder 9. Last evaluated: 2018-01-12. Review status: criteria provided, single submitter. Criteria: ICSL Variant Classification Criteria 13 December 2019. Collection method: clinical testing. Allele origin: germline.
Comment: This variant was observed in the ICSL laboratory as part of a predisposition screen in an ostensibly healthy population. It had not been previously curated by ICSL or reported in the Human Gene Mutation Database (HGMD: prior to June 1st, 2018), and was therefore a candidate for classification through an automated scoring system. Utilizing variant allele frequency, disease prevalence and penetrance estimates, and inheritance mode, an automated score was calculated to assess if this variant is too frequent to cause the disease. Based on the score and internal cut-off values, a variant classified as benign is not then subjected to further curation. The score for this variant resulted in a classification of benign for this disease.